The following is an entry in ClinVar:

ClinVar aggregate classification (germline): Uncertain significance (1 of 4 stars; one submission).

Conditions:
Optic atrophy 12. Also called: Optic Atrophy Type 12 (OPA12). Identifiers: MedGen C5436534, MONDO:0033549, OMIM 618977.
Spinocerebellar ataxia type 28 (SCA28). Also called: Spinocerebellar Ataxia Type 28 (SCA28). Identifiers: Orphanet 101109, MedGen C1853249, MONDO:0012450, OMIM 610246.
Spastic ataxia 5. Also called: Spastic Ataxia Type 5 (SPAX5). Identifiers: Orphanet 313772, MedGen C3280977, MONDO:0013776, OMIM 614487.

Submission:

Laboratorio de Diagnóstico Molecular
Classification: Uncertain significance for Optic atrophy 12; Spastic ataxia 5; Spinocerebellar ataxia type 28. Last evaluated: 2024-12-18. Review status: criteria provided, single submitter. Criteria: ACMG Guidelines, 2015. Collection method: clinical testing. Allele origin: germline. Inheritance: Autosomal dominant inheritance. Affected: yes. Observed: 1 heterozygote.
Comment: Variant predicted to disrupt splicing (SpliceAI 0.99), likely causing exon skipping resulting in a shorter protein product (PVS1_Strong). Observed in gnomAD with one allele, but flagged for failing quality filters (PM2_Supporting).

NM_006796.3(AFG3L2):c.1663+1G>A

Gene: AFG3L2 (AFG3 like matrix AAA peptidase subunit 2; minus strand). Cytogenetic location: 18p11.21.
Variant type: single nucleotide variant.
Coding change: c.1663+1G>A on transcript NM_006796.3 (MANE Select); the canonical splice donor site of the intron after coding-DNA position 1663, G replaced by A.
Molecular consequence: splice donor variant.
Genome position (GRCh38, 1-based): chr18:12,348,272, C>T on the plus strand (G>A on the coding strand, the complement: AFG3L2 is on the minus strand). VCF-style: chr18-12348272-C-T. GRCh37 (hg19) VCF-style: chr18-12348271-C-T.
Identifiers: ClinVar variation 4076977 (VCV004076977.1).